The following is an entry in ClinVar:

ClinVar aggregate classification (germline): Uncertain significance (1 of 4 stars; one submission).

Conditions:
Emery-Dreifuss muscular dystrophy (EDMD). Also called: Scapuloperoneal syndrome, X-linked (formerly); Humeroperoneal neuromuscular disease, (formerly). Identifiers: Orphanet 261, MedGen C0410189, MONDO:0016830.

Allele frequency attached by ClinVar (database versions not stated): gnomAD 0.00001; TOPMed 0.00002; ExAC 0.00003.
gnomAD v4.1: 9 of 1,609,028 alleles (0.00056%); highest among the groups gnomAD compares: Admixed American, 0.0017%; no homozygotes.

Submission:

Labcorp Genetics (formerly Invitae), Labcorp
Classification: Uncertain significance for Emery-Dreifuss muscular dystrophy. Last evaluated: 2025-03-27. Review status: criteria provided, single submitter. Criteria: Invitae Variant Classification Sherloc (09022015). Collection method: clinical testing. Allele origin: germline.
Comment: This sequence change replaces arginine, which is basic and polar, with serine, which is neutral and polar, at codon 229 of the SUN1 protein (p.Arg229Ser). The frequency data for this variant in the population databases is considered unreliable, as metrics indicate poor data quality at this position in the gnomAD database. This variant has not been reported in the literature in individuals affected with SUN1-related conditions. ClinVar contains an entry for this variant (Variation ID: 2077210). An algorithm developed to predict the effect of missense changes on protein structure and function (PolyPhen-2) suggests that this variant is likely to be disruptive. In summary, the available evidence is currently insufficient to determine the role of this variant in disease. Therefore, it has been classified as a Variant of Uncertain Significance.

NM_001130965.3(SUN1):c.687G>T (p.Arg229Ser)

Gene: SUN1 (Sad1 and UNC84 domain containing 1; plus strand). Cytogenetic location: 7p22.3.
Variant type: single nucleotide variant.
Coding change: c.687G>T on transcript NM_001130965.3 (MANE Select); coding-DNA position 687, G replaced by T.
Protein change: p.Arg229Ser; replaces arginine 229 with serine.
Molecular consequence: missense variant. On other transcripts: non-coding transcript variant (3), intron variant (12).
Genome position (GRCh38, 1-based): chr7:851,412, G>T. VCF-style: chr7-851412-G-T. GRCh37 (hg19) VCF-style: chr7-891049-G-T.
Other names: c.687G>T, p.Arg229Ser (NM_001367633.1, NM_001367634.1, NM_001367665.1 and 3 more transcripts); c.341G>T, p.Gly114Val (NM_001367635.1); c.930G>T, p.Arg310Ser (NM_001367636.1, NM_001367666.1, NM_001367691.1 and 1 more transcripts); c.798G>T, p.Arg266Ser (NM_001367638.1, NM_001367664.1, NM_001367685.1 and 1 more transcripts); c.231G>T, p.Arg77Ser (NM_001367639.1); c.969G>T, p.Arg323Ser (NM_001367641.1, NM_001367682.1, NM_001367698.1); c.882G>T, p.Arg294Ser (NM_001367643.1, NM_001367693.1, NM_001367697.1); c.621G>T, p.Arg207Ser (NM_001367644.1, NM_001367680.1, NM_001367701.1); and 24 more; short protein forms R238S, R273S, R295S, R310S, R77S, R179S, R245S, R294S.
Identifiers: ClinVar variation 2077210 (VCV002077210.4), dbSNP rs760100798, ClinGen allele CA4111883.
Genomic context (GRCh38, chr7:851,412, plus strand): 5'-TGTCTGAGGCCACACACGTCTTCCCTGCACAGGTTACTTCTTGCTGCAGATTCTGCGCAG[G>T]ATCGGAGCTGTGGGCCAGGCTGTGTCCAGGACGGCGTGGTCGGCCCTTTGGCTGGCCGTG-3'
Protein context (NP_001124437.1, residues 219-239): KCYFLLQILR[Arg229Ser]IGAVGQAVSR